The following is an entry in ClinVar:

NM_002691.4(POLD1):c.1776-3C>A

Gene: POLD1 (DNA polymerase delta 1, catalytic subunit; plus strand). Cytogenetic location: 19q13.33.
Variant type: single nucleotide variant.
Coding change: c.1776-3C>A on transcript NM_002691.4 (MANE Select); 3 bases into the intron before coding-DNA position 1776, C replaced by A.
Molecular consequence: intron variant. On other transcripts: synonymous variant (1).
Genome position (GRCh38, 1-based): chr19:50,408,782, C>A. VCF-style: chr19-50408782-C-A. GRCh37 (hg19) VCF-style: chr19-50912039-C-A.
Other names: c.1851C>A, p.Pro617= (NM_001308632.1); c.1776-3C>A (NM_001256849.1).
Identifiers: ClinVar variation 1446011 (VCV001446011.6), dbSNP rs2122365643, ClinGen allele CA2573156698.
Genomic context (GRCh38, chr19:50,408,782, plus strand): 5'-CAGGGCGGGGGCGGCATGGGAACTCCTAGCCCTGACTCCCGGCCGCGGCTGCTCCCCTCC[C>A]AGGTACTACGACGTCCCCATCGCCACCCTGGACTTCTCCTCGCTGTACCCGTCCATCATG-3'

ClinVar aggregate classification (germline): Uncertain significance (1 of 4 stars; one submission).

Conditions:
POLD1-related polyposis and colorectal cancer syndrome (CRCS10). Also called: Colorectal cancer 10; COLORECTAL CANCER, SUSCEPTIBILITY TO, ON CHROMOSOME 19q; Colorectal cancer, susceptibility to, 10. Identifiers: Orphanet 220460, MedGen C2675481, MONDO:0012953, OMIM 612591.

Submission:

Labcorp Genetics (formerly Invitae), Labcorp
Classification: Uncertain significance for POLD1-related polyposis and colorectal cancer syndrome. Last evaluated: 2021-04-26. Review status: criteria provided, single submitter. Criteria: Invitae Variant Classification Sherloc (09022015). Collection method: clinical testing. Allele origin: germline.
Comment: This variant has not been reported in the literature in individuals with POLD1-related conditions. This variant is not present in population databases (ExAC no frequency). This sequence change falls in intron 14 of the POLD1 gene. It does not directly change the encoded amino acid sequence of the POLD1 protein. It affects a nucleotide within the consensus splice site of the intron. Nucleotide substitutions within the consensus splice site are a relatively common cause of aberrant splicing (PMID: 17576681, 9536098). Algorithms developed to predict the effect of sequence changes on RNA splicing suggest that this variant may disrupt the consensus splice site, but this prediction has not been confirmed by published transcriptional studies. In summary, the available evidence is currently insufficient to determine the role of this variant in disease. Therefore, it has been classified as a Variant of Uncertain Significance.

Literature cited by the submitters: PubMed 17576681; PubMed 9536098.